The following is an entry in ClinVar:

NM_002591.4(PCK1):c.1289G>A (p.Gly430Asp)

Gene: PCK1 (phosphoenolpyruvate carboxykinase 1; plus strand). Cytogenetic location: 20q13.31.
Variant type: single nucleotide variant.
Coding change: c.1289G>A on transcript NM_002591.4 (MANE Select); coding-DNA position 1289, G replaced by A.
Protein change: p.Gly430Asp; replaces glycine 430 with aspartic acid.
Molecular consequence: missense variant.
Genome position (GRCh38, 1-based): chr20:57,564,584, G>A. VCF-style: chr20-57564584-G-A. GRCh37 (hg19) VCF-style: chr20-56139640-G-A.
Other names: short protein forms G430D.
Identifiers: ClinVar variation 1309575 (VCV001309575.2), dbSNP rs1219103803, ClinGen allele CA409436828.

ClinVar aggregate classification (germline): Uncertain significance (1 of 4 stars; one submission).

Allele frequency attached by ClinVar (database versions not stated): gnomAD exomes below 0.00001; TOPMed below 0.00001.

Submission:

GeneDx
Classification: Uncertain significance. Last evaluated: 2020-04-29. Review status: criteria provided, single submitter. Criteria: GeneDx Variant Classification Process June 2021. Collection method: clinical testing. Allele origin: germline. Affected: yes.
Comment: Has not been previously published as pathogenic or benign to our knowledge; Not observed in large population cohorts (Lek et al., 2016); In silico analysis, which includes protein predictors and evolutionary conservation, supports that this variant does not alter protein structure/function